The following is an entry in ClinVar:

ClinVar aggregate classification (germline): Uncertain significance (0 of 4 stars; one submission).

Conditions:
ischemic cerebrovascular diesease.

gnomAD v4.1: 2 of 1,614,184 alleles (0.00012%); highest among the groups gnomAD compares: Non-Finnish European, 0.00017%; no homozygotes.

Submission:

Institute of Neurology, Charite University of Medicine
Classification: Uncertain significance for ischemic cerebrovascular diesease. Last evaluated: 2025-07-10. Review status: no assertion criteria provided. Collection method: provider interpretation. Allele origin: germline. Affected: yes. Observed: 1 variant allele.
Comment: Coding variants in LRRK2 have been reported in Parkinson's disease. The variant has been classsified as 'variant of uncertain significance' based on the ACMG classification.

NM_198578.4(LRRK2):c.121G>T (p.Asp41Tyr)

Gene: LRRK2 (leucine rich repeat kinase 2; plus strand). Cytogenetic location: 12q12.
Variant type: single nucleotide variant.
Coding change: c.121G>T on transcript NM_198578.4 (MANE Select); coding-DNA position 121, G replaced by T.
Protein change: p.Asp41Tyr; replaces aspartic acid 41 with tyrosine.
Molecular consequence: missense variant.
Genome position (GRCh38, 1-based): chr12:40,225,252, G>T. VCF-style: chr12-40225252-G-T. GRCh37 (hg19) VCF-style: chr12-40619054-G-T.
Other names: short protein forms D41Y.
Identifiers: ClinVar variation 4857850 (VCV004857850.1).